The following is an entry in ClinVar:

NM_001098511.3(KIF2A):c.1256G>T (p.Ser419Ile)

Gene: KIF2A (kinesin family member 2A; plus strand). Cytogenetic location: 5q12.1.
Variant type: single nucleotide variant.
Coding change: c.1256G>T on transcript NM_001098511.3 (MANE Select); coding-DNA position 1256, G replaced by T.
Protein change: p.Ser419Ile; replaces serine 419 with isoleucine.
Molecular consequence: missense variant.
Genome position (GRCh38, 1-based): chr5:62,363,314, G>T. VCF-style: chr5-62363314-G-T. GRCh37 (hg19) VCF-style: chr5-61659141-G-T.
Other names: c.1175G>T, p.Ser392Ile (NM_001243952.2); c.1199G>T, p.Ser400Ile (NM_001243953.2); c.1256G>T, p.Ser419Ile (NM_004520.5); short protein forms S419I, S392I, S400I.
Identifiers: ClinVar variation 5009472 (VCV005009472.1).
Genomic context (GRCh38, chr5:62,363,314, plus strand): 5'-TACAGGAACGGGAGGTCAAATGTGTTGAAGATGTACTGAAACTCATTGACATAGGCAACA[G>T]TTGCAGGTAAATCTCATTTTGATTAAGAAAGGAAACATCAGTTTTAGAAACTTTGGGTAC-3'
Protein context (NP_001091981.1, residues 409-429): DVLKLIDIGN[Ser419Ile]CRTSGQTSAN

ClinVar aggregate classification (germline): Uncertain significance (1 of 4 stars; one submission).

Submission:

GeneDx
Classification: Uncertain significance. Last evaluated: 2026-03-18. Review status: criteria provided, single submitter. Criteria: GeneDx Variant Classification Process June 2021. Collection method: clinical testing. Allele origin: germline.
Comment: Not observed at significant frequency in large population cohorts (gnomAD); In silico analysis supports that this missense variant has a deleterious effect on protein structure/function; Has not been previously published as pathogenic or benign to our knowledge